The following is an entry in ClinVar:

NM_000823.4(GHRHR):c.837C>T (p.Ser279=)

Gene: GHRHR (growth hormone releasing hormone receptor; plus strand). Cytogenetic location: 7p14.3.
Variant type: single nucleotide variant.
Coding change: c.837C>T on transcript NM_000823.4 (MANE Select); coding-DNA position 837, C replaced by T.
Protein change: p.Ser279=; no amino-acid change (serine 279 retained).
Molecular consequence: synonymous variant.
Genome position (GRCh38, 1-based): chr7:30,974,995, C>T. VCF-style: chr7-30974995-C-T. GRCh37 (hg19) VCF-style: chr7-31014610-C-T.
Identifiers: ClinVar variation 3896288 (VCV003896288.2).

ClinVar aggregate classification (germline): Likely benign (1 of 4 stars; one submission).

Submission:

Women's Health and Genetics/Laboratory Corporation of America, LabCorp
Classification: Likely benign. Last evaluated: 2025-04-14. Review status: criteria provided, single submitter. Criteria: LabCorp Variant Classification Summary - May 2015. Collection method: clinical testing. Allele origin: germline.
Comment: Variant summary: GHRHR c.837C>T alters a non-conserved nucleotide resulting in a synonymous change. Consensus agreement among computation tools predict no significant impact on normal splicing. However, these predictions have yet to be confirmed by functional studies. The variant allele was found at a frequency of 2e-05 in 251484 control chromosomes. The available data on variant occurrences in the general population are insufficient to allow any conclusion about variant significance. To our knowledge, no occurrence of c.837C>T in individuals affected with Isolated growth hormone deficiency, type 4 and no experimental evidence demonstrating its impact on protein function have been reported. No submitters have cited clinical-significance assessments for this variant to ClinVar. Based on the evidence outlined above, the variant was classified as likely benign.